The following is an entry in ClinVar:

ClinVar aggregate classification (germline): Uncertain significance (1 of 4 stars; one submission).

Conditions:
Hereditary cancer-predisposing syndrome. Also called: Neoplastic Syndromes, Hereditary; Tumor predisposition; Hereditary neoplastic syndrome; Hereditary Cancer Syndrome. Identifiers: Orphanet 140162, MedGen C0027672, MeSH D009386, MONDO:0015356.

Allele frequency attached by ClinVar (database versions not stated): gnomAD exomes below 0.00001.

Submission:

Ambry Genetics
Classification: Uncertain significance for Hereditary cancer-predisposing syndrome. Last evaluated: 2023-02-03. Review status: criteria provided, single submitter. Criteria: Ambry Variant Classification Scheme 2023. Collection method: clinical testing. Allele origin: germline.
Comment: The p.E307Q variant (also known as c.919G>C), located in coding exon 9 of the EPCAM gene, results from a G to C substitution at nucleotide position 919. The glutamic acid at codon 307 is replaced by glutamine, an amino acid with highly similar properties. This amino acid position is conserved. In addition, this alteration is predicted to be tolerated by in silico analysis. Since supporting evidence is limited at this time, the clinical significance of this alteration remains unclear.

NM_002354.3(EPCAM):c.919G>C (p.Glu307Gln)

Gene: EPCAM (epithelial cell adhesion molecule; plus strand). Cytogenetic location: 2p21.
Variant type: single nucleotide variant.
Coding change: c.919G>C on transcript NM_002354.3 (MANE Select); coding-DNA position 919, G replaced by C.
Protein change: p.Glu307Gln; replaces glutamic acid 307 with glutamine.
Molecular consequence: missense variant.
Genome position (GRCh38, 1-based): chr2:47,386,587, G>C. VCF-style: chr2-47386587-G-C. GRCh37 (hg19) VCF-style: chr2-47613726-G-C.
Other names: short protein forms E307Q.
Identifiers: ClinVar variation 2452162 (VCV002452162.2), dbSNP rs2465490468, ClinGen allele CA346725949.
Genomic context (GRCh38, chr2:47,386,587, plus strand): 5'-TGAAAAATTATTTAGAATTTTTTTCTGTGCTTTTTCCTGTTTCAGATAAAGGAGATGGGT[G>C]AGATGCATAGGGAACTCAATGCATAACTATATAATTTGAAGATTATAGAAGAAGGGAAAT-3'
Protein context (NP_002345.2, residues 297-314): YEKAEIKEMG[Glu307Gln]MHRELNA